The following is an entry in ClinVar:

NM_000391.4(TPP1):c.1470G>C (p.Glu490Asp)

Gene: TPP1 (tripeptidyl peptidase 1; minus strand). Cytogenetic location: 11p15.4.
Variant type: single nucleotide variant.
Coding change: c.1470G>C on transcript NM_000391.4 (MANE Select); coding-DNA position 1470, G replaced by C.
Protein change: p.Glu490Asp; replaces glutamic acid 490 with aspartic acid.
Molecular consequence: missense variant.
Genome position (GRCh38, 1-based): chr11:6,614,947, C>G on the plus strand (G>C on the coding strand, the complement: TPP1 is on the minus strand). VCF-style: chr11-6614947-C-G. GRCh37 (hg19) VCF-style: chr11-6636178-C-G.
Other names: short protein forms E490D.
Identifiers: ClinVar variation 1517024 (VCV001517024.8), dbSNP rs367681647, ClinGen allele CA5858637.

ClinVar aggregate classification (germline): Uncertain significance. Review status: criteria provided, multiple submitters, no conflicts (2 of 4 stars). 2 submissions from 2 submitters: Uncertain significance (2). Last evaluated 2025-12-21.

Allele frequency attached by ClinVar (database versions not stated): gnomAD 0.00002; TOPMed 0.00003; ESP Exome Variant Server 0.00008.
gnomAD v4.1: 6 of 1,613,986 alleles (0.00037%); highest among the groups gnomAD compares: African/African-American, 0.0067%; no homozygotes.

Submissions (2):

Labcorp Genetics (formerly Invitae), Labcorp
Classification: Uncertain significance. Last evaluated: 2025-12-21. Review status: criteria provided, single submitter. Criteria: Invitae Variant Classification Sherloc (09022015). Collection method: clinical testing. Allele origin: germline.
Comment: This sequence change replaces glutamic acid, which is acidic and polar, with aspartic acid, which is acidic and polar, at codon 490 of the TPP1 protein (p.Glu490Asp). This variant is present in population databases (rs367681647, gnomAD 0.02%). This variant has not been reported in the literature in individuals affected with TPP1-related conditions. ClinVar contains an entry for this variant (Variation ID: 1517024). Invitae Evidence Modeling of protein sequence and biophysical properties (such as structural, functional, and spatial information, amino acid conservation, physicochemical variation, residue mobility, and thermodynamic stability) indicates that this missense variant is not expected to disrupt TPP1 protein function with a negative predictive value of 95%. In summary, the available evidence is currently insufficient to determine the role of this variant in disease. Therefore, it has been classified as a Variant of Uncertain Significance.

Blueprint Genetics
Classification: Uncertain significance. Last evaluated: 2023-11-10. Review status: criteria provided, single submitter. Criteria: ACMG Guidelines, 2015. Collection method: clinical testing. Allele origin: germline.